The following is an entry in ClinVar:

NM_001130009.3(GEN1):c.2222A>T (p.Asp741Val)

Gene: GEN1 (GEN1 Holliday junction 5' flap endonuclease; plus strand). Cytogenetic location: 2p24.2.
Variant type: single nucleotide variant.
Coding change: c.2222A>T on transcript NM_001130009.3 (MANE Select); coding-DNA position 2222, A replaced by T.
Protein change: p.Asp741Val; replaces aspartic acid 741 with valine.
Molecular consequence: missense variant.
Genome position (GRCh38, 1-based): chr2:17,781,434, A>T. VCF-style: chr2-17781434-A-T. GRCh37 (hg19) VCF-style: chr2-17962701-A-T.
Other names: c.2222A>T, p.Asp741Val (NM_182625.5); short protein forms D741V.
Identifiers: ClinVar variation 3853522 (VCV003853522.1).

ClinVar aggregate classification (germline): Uncertain significance (1 of 4 stars; one submission).

Submission:

Ambry Genetics
Classification: Uncertain significance. Last evaluated: 2025-01-20. Review status: criteria provided, single submitter. Criteria: Ambry Variant Classification Scheme 2023. Collection method: clinical testing. Allele origin: germline.
Comment: The p.D741V variant (also known as c.2222A>T), located in coding exon 13 of the GEN1 gene, results from an A to T substitution at nucleotide position 2222. The aspartic acid at codon 741 is replaced by valine, an amino acid with highly dissimilar properties. This amino acid position is conserved. In addition, this alteration is predicted to be tolerated by in silico analysis. Based on the available evidence, the clinical significance of this variant remains unclear.